The following is an entry in ClinVar:

NM_001142800.2(EYS):c.9211G>C (p.Asp3071His)

Genes: EYS (EGF-like photoreceptor maintenance factor; minus strand), PHF3 (PHD finger protein 3; plus strand). Cytogenetic location: 6q12.
Variant type: single nucleotide variant.
Coding change: c.9211G>C on transcript NM_001142800.2 (MANE Select); coding-DNA position 9211, G replaced by C.
Protein change: p.Asp3071His; replaces aspartic acid 3071 with histidine.
Molecular consequence: missense variant. On other transcripts: 3 prime UTR variant (5).
Genome position (GRCh38, 1-based): chr6:63,720,820, C>G on the plus strand (G>C on the coding strand, the complement: EYS is on the minus strand). VCF-style: chr6-63720820-C-G. GRCh37 (hg19) VCF-style: chr6-64430716-C-G.
Other names: c.*7112C>G (NM_001370348.2, NM_001370349.2, NM_001370350.2 and 2 more transcripts); c.9274G>C, p.Asp3092His (NM_001292009.2); short protein forms D3092H, D3071H.
Identifiers: ClinVar variation 2146722 (VCV002146722.3), dbSNP rs1384417816, ClinGen allele CA364383002.

ClinVar aggregate classification (germline): Uncertain significance. Review status: criteria provided, multiple submitters, no conflicts (2 of 4 stars). 3 submissions from 3 submitters: Uncertain significance (3). Last evaluated 2025-09-02.

Conditions:
Retinitis pigmentosa 25 (RP25). Identifiers: Orphanet 791, MedGen C1864446, MONDO:0011272, OMIM 602772.

Allele frequency attached by ClinVar (database versions not stated): TOPMed below 0.00001; gnomAD 0.00001; gnomAD exomes 0.00001.
gnomAD v4.1: 13 of 1,551,002 alleles (0.00084%); highest among the groups gnomAD compares: Non-Finnish European, 0.0011%; no homozygotes.

Submissions (3):

Myriad Genetics, Inc.
Classification: Uncertain significance for Retinitis pigmentosa 25. Last evaluated: 2025-09-02. Review status: criteria provided, single submitter. Criteria: Myriad Autosomal Dominant, Autosomal Recessive and X-Linked Classification Criteria (2023). Collection method: clinical testing. Allele origin: unknown.
Comment: NM_001142800.1(EYS):c.9211G>C(D3071H) is a missense variant classified as a variant of uncertain significance in the context of retinitis pigmentosa, EYS-related. D3071H has been observed in a case with relevant disease (PMID: 38576124). Relevant functional assessments of this variant are not available in the literature. D3071H has been observed in referenced population frequency databases. In summary, there is insufficient evidence to classify NM_001142800.1(EYS):c.9211G>C(D3071H) as pathogenic or benign. Please note: this variant was assessed in the context of healthy population screening.

Blueprint Genetics
Classification: Uncertain significance. Last evaluated: 2024-09-13. Review status: criteria provided, single submitter. Criteria: ACMG Guidelines, 2015. Collection method: clinical testing. Allele origin: germline.

Labcorp Genetics (formerly Invitae), Labcorp
Classification: Uncertain significance. Last evaluated: 2021-08-28. Review status: criteria provided, single submitter. Criteria: Invitae Variant Classification Sherloc (09022015). Collection method: clinical testing. Allele origin: germline.
Comment: This sequence change replaces aspartic acid with histidine at codon 3071 of the EYS protein (p.Asp3071His). The aspartic acid residue is highly conserved and there is a moderate physicochemical difference between aspartic acid and histidine. This variant is not present in population databases (ExAC no frequency). This variant has not been reported in the literature in individuals affected with EYS-related conditions. Algorithms developed to predict the effect of missense changes on protein structure and function are either unavailable or do not agree on the potential impact of this missense change (SIFT: "Deleterious"; PolyPhen-2: "Possibly Damaging"; Align-GVGD: "Class C0"). In summary, the available evidence is currently insufficient to determine the role of this variant in disease. Therefore, it has been classified as a Variant of Uncertain Significance.

Literature cited by the submitters: PubMed 38576124 (cited by Myriad Genetics, Inc.).